The following is an entry in ClinVar:

NM_001079802.2(FKTN):c.22G>T (p.Val8Leu)

Gene: FKTN (fukutin; plus strand). Cytogenetic location: 9q31.2.
Variant type: single nucleotide variant.
Coding change: c.22G>T on transcript NM_001079802.2 (MANE Select); coding-DNA position 22, G replaced by T.
Protein change: p.Val8Leu; replaces valine 8 with leucine.
Molecular consequence: missense variant. On other transcripts: 5 prime UTR variant (5), non-coding transcript variant (2).
Genome position (GRCh38, 1-based): chr9:105,575,054, G>T. VCF-style: chr9-105575054-G-T. GRCh37 (hg19) VCF-style: chr9-108337335-G-T.
Other names: c.22G>T, p.Val8Leu (NM_001198963.2, NM_001351496.2, NM_001351498.2 and 1 more transcripts); c.-146G>T (NM_001351497.2); c.-493G>T (NM_001351499.2, NM_001351500.2, NM_001351501.2 and 1 more transcripts); short protein forms V8L.
Identifiers: ClinVar variation 264150 (VCV000264150.23), dbSNP rs368981218, ClinGen allele CA5170287.

ClinVar aggregate classification (germline): Conflicting classifications of pathogenicity. Review status: criteria provided, conflicting classifications (1 of 4 stars). 7 submissions from 7 submitters: Uncertain significance (3); Likely benign (1). 3 of the submissions do not count toward it. Last evaluated 2026-07-08.

Conditions:
Cardiovascular phenotype. Identifiers: MedGen CN230736.
Walker-Warburg congenital muscular dystrophy. Also called: Muscular dystrophy-dystroglycanopathy, type A; Walker-Warburg syndrome. Identifiers: Orphanet 899, MedGen C0265221, MONDO:0000171.

Allele frequency attached by ClinVar (database versions not stated): TOPMed 0.00014; ESP Exome Variant Server 0.00015; 1000 Genomes Project 30x 0.00016; 1000 Genomes Project 0.00020.
gnomAD v4.1: 43 of 1,604,492 alleles (0.0027%); highest among the groups gnomAD compares: African/African-American, 0.045%; no homozygotes.

Submissions (7):

GeneDx
Classification: Uncertain significance. Last evaluated: 2026-07-08. Review status: criteria provided, single submitter. Criteria: GeneDx Variant Classification Process June 2021. Collection method: clinical testing. Allele origin: germline.
Comment: Identified in a patient with DCM in published literature (PMID: 31983221); In silico analysis suggests that this missense variant does not alter protein structure/function; This variant is associated with the following publications: (PMID: 31983221)

Labcorp Genetics (formerly Invitae), Labcorp
Classification: Likely benign for Walker-Warburg congenital muscular dystrophy. Last evaluated: 2026-01-09. Review status: criteria provided, single submitter. Criteria: Invitae Variant Classification Sherloc (09022015). Collection method: clinical testing. Allele origin: germline.

Ambry Genetics
Classification: Uncertain significance for Cardiovascular phenotype. Last evaluated: 2025-12-07. Review status: criteria provided, single submitter. Criteria: Ambry Variant Classification Scheme 2023. Collection method: clinical testing. Allele origin: germline.
Comment: The p.V8L variant (also known as c.22G>T), located in coding exon 1 of the FKTN gene, results from a G to T substitution at nucleotide position 22. The valine at codon 8 is replaced by leucine, an amino acid with highly similar properties. In one cohort study, this variant was reported in one individual with dilated cardiomyopathy and in one control participant (Mazzarotto F et al. Circulation, 2020 02;141:387-398). This amino acid position is highly conserved in available vertebrate species. In addition, the in silico prediction for this alteration is inconclusive. Since supporting evidence is limited at this time, the clinical significance of this alteration remains unclear.

Revvity Omics, Revvity
Classification: Uncertain significance. Last evaluated: 2020-02-20. Review status: criteria provided, single submitter. Criteria: ACMG Guidelines, 2015. Collection method: clinical testing. Allele origin: germline.

Natera, Inc.
Classification: Uncertain significance for Walker-Warburg congenital muscular dystrophy. Last evaluated: 2020-02-12. Review status: no assertion criteria provided. Collection method: clinical testing. Allele origin: germline. Not counted in ClinVar's aggregate classification.

Clinical Genetics DNA and cytogenetics Diagnostics Lab, Erasmus MC, Erasmus Medical Center
Classification: Uncertain significance. Review status: no assertion criteria provided. Collection method: clinical testing. Allele origin: germline. Affected: yes. Study: VKGL Data-share Consensus. Not counted in ClinVar's aggregate classification.

Genome Diagnostics Laboratory, University Medical Center Utrecht
Classification: Uncertain significance. Review status: no assertion criteria provided. Collection method: clinical testing. Allele origin: germline. Affected: yes. Study: VKGL Data-share Consensus. Not counted in ClinVar's aggregate classification.

Literature cited by the submitters: PubMed 31983221 (cited by Ambry Genetics).